The following is an entry in ClinVar:

NM_000051.4(ATM):c.6324G>T (p.Gln2108His)

Genes: C11orf65 (chromosome 11 open reading frame 65; minus strand), ATM (ATM serine/threonine kinase; plus strand). Cytogenetic location: 11q22.3.
Variant type: single nucleotide variant.
Coding change: c.6324G>T on transcript NM_000051.4 (MANE Select); coding-DNA position 6324, G replaced by T.
Protein change: p.Gln2108His; replaces glutamine 2108 with histidine.
Molecular consequence: missense variant. On other transcripts: intron variant (2).
Genome position (GRCh38, 1-based): chr11:108,317,498, G>T. VCF-style: chr11-108317498-G-T. GRCh37 (hg19) VCF-style: chr11-108188225-G-T.
Other names: p.Gln2108His; c.6324G>T, p.Gln2108His (NM_001351834.2); c.641-8427C>A (NM_001330368.2); c.*39-8427C>A (NM_001351110.2); short protein forms Q2108H.
Identifiers: ClinVar variation 1063240 (VCV001063240.13), dbSNP rs2136169496, ClinGen allele CA382552230.

ClinVar aggregate classification (germline): Uncertain significance. Review status: criteria provided, multiple submitters, no conflicts (2 of 4 stars). 3 submissions from 3 submitters: Uncertain significance (3). Last evaluated 2024-12-08.

Conditions:
Hereditary cancer-predisposing syndrome. Also called: Neoplastic Syndromes, Hereditary; Tumor predisposition; Hereditary Cancer Syndrome; Hereditary neoplastic syndrome. Identifiers: Orphanet 140162, MedGen C0027672, MeSH D009386, MONDO:0015356.
Familial cancer of breast. Also called: Hereditary breast cancer; hereditary breast carcinoma; BREAST CANCER, FAMILIAL. Identifiers: Orphanet 227535, MedGen C0346153, MONDO:0016419, OMIM 114480. Disease mechanism: loss of function.
Ataxia-telangiectasia syndrome (AT). Also called: Ataxia telangiectasia (A-T); ATAXIA-TELANGIECTASIA, COMPLEMENTATION GROUP A; ATAXIA-TELANGIECTASIA, FRESNO VARIANT; Ataxia-telangiectasia; Ataxia-telangiectasia, complementation group E; LOUIS-BAR SYNDROME. Identifiers: Orphanet 100, MedGen C0004135, MONDO:0008840, OMIM 208900.

Submissions (3):

Ambry Genetics
Classification: Uncertain significance for Hereditary cancer-predisposing syndrome. Last evaluated: 2024-12-08. Review status: criteria provided, single submitter. Criteria: Ambry Variant Classification Scheme 2023. Collection method: clinical testing. Allele origin: germline.
Comment: The p.Q2108H variant (also known as c.6324G>T), located in coding exon 42 of the ATM gene, results from a G to T substitution at nucleotide position 6324. The glutamine at codon 2108 is replaced by histidine, an amino acid with highly similar properties. This amino acid position is conserved. In addition, this alteration is predicted to be deleterious by in silico analysis. Based on the available evidence, the clinical significance of this variant remains unclear.

Foundation for Research in Genetics and Endocrinology, FRIGE's Institute of Human Genetics
Classification: Uncertain significance for Familial cancer of breast. Last evaluated: 2022-09-07. Review status: criteria provided, single submitter. Criteria: ACMG Guidelines, 2015. Collection method: clinical testing. Allele origin: germline. Inheritance: Autosomal dominant inheritance. Affected: yes. Observed: 1 heterozygote.
Comment: A heterozygous missense variation in exon 43 of the ATM gene that results in the amino acid substitution of Histidine for Glutamine at codon 2108 was detected . The p.Gln2108His variant has not been reported in the 1000 genomes, gnomAD databases. The in silico predictions# of the variant is damaging by LRT tool. The reference codon is conserved across species. In summary, the variant meets our criteria to be classified as a variant of uncertain significance.

Labcorp Genetics (formerly Invitae), Labcorp
Classification: Uncertain significance for Ataxia-telangiectasia syndrome. Last evaluated: 2020-10-05. Review status: criteria provided, single submitter. Criteria: Invitae Variant Classification Sherloc (09022015). Collection method: clinical testing. Allele origin: germline.
Comment: In summary, the available evidence is currently insufficient to determine the role of this variant in disease. Therefore, it has been classified as a Variant of Uncertain Significance. Advanced modeling of protein sequence and biophysical properties (such as structural, functional, and spatial information, amino acid conservation, physicochemical variation, residue mobility, and thermodynamic stability) performed at Invitae indicates that this missense variant is not expected to disrupt ATM protein function. This variant has not been reported in the literature in individuals with ATM-related conditions. This variant is not present in population databases (ExAC no frequency). This sequence change replaces glutamine with histidine at codon 2108 of the ATM protein (p.Gln2108His). The glutamine residue is moderately conserved and there is a small physicochemical difference between glutamine and histidine.